The following is an entry in ClinVar:

ClinVar aggregate classification (germline): Likely pathogenic (1 of 4 stars; one submission).

Conditions:
Bethlem myopathy 2 (BTHLM2). Identifiers: Orphanet 536516, Orphanet 610, MedGen C4225313, MONDO:0034022, OMIM 616471.
Ullrich congenital muscular dystrophy 2 (UCMD2). Identifiers: Orphanet 75840, MedGen C4225314, MONDO:0014654, OMIM 616470.

Submission:

Labcorp Genetics (formerly Invitae), Labcorp
Classification: Likely pathogenic for Bethlem myopathy 2; Ullrich congenital muscular dystrophy 2. Last evaluated: 2021-12-26. Review status: criteria provided, single submitter. Criteria: Invitae Variant Classification Sherloc (09022015). Collection method: clinical testing. Allele origin: germline.
Comment: This variant has not been reported in the literature in individuals affected with COL12A1-related conditions. This variant is not present in population databases (gnomAD no frequency). This variant results in the deletion of part of exon 56 (c.8320-15_8379delinsCA) of the COL12A1 gene. It is expected to disrupt RNA splicing. Variants that disrupt the donor or acceptor splice site typically lead to a loss of protein function (PMID: 16199547), and loss-of-function variants in COL12A1 are known to be pathogenic (PMID: 24334604, 28973083). Algorithms developed to predict the effect of sequence changes on RNA splicing suggest that this variant may disrupt the consensus splice site. In summary, the currently available evidence indicates that the variant is pathogenic, but additional data are needed to prove that conclusively. Therefore, this variant has been classified as Likely Pathogenic.

Literature cited by the submitters: PubMed 16199547; PubMed 24334604; PubMed 28973083.

NM_004370.6(COL12A1):c.8320-15_8379delinsCA

Gene: COL12A1 (collagen type XII alpha 1 chain; minus strand). Cytogenetic location: 6q13.
Variant type: Indel.
Coding change: c.8320-15_8379delinsCA on transcript NM_004370.6 (MANE Select); 15 bases into the intron before coding-DNA position 8320 through coding-DNA position 8379, the reference bases replaced by CA.
Molecular consequence: splice acceptor variant.
Genome position (GRCh38, 1-based): chr6:75,102,633-75,102,707, 75 bases replaced. GRCh37 (hg19): chr6:75,812,349-75,812,423.
Other names: c.4828-15_4887delinsCA (NM_080645.3).
Identifiers: ClinVar variation 2061628 (VCV002061628.4), dbSNP rs2533103607, ClinGen allele CA2580075783.